The following is an entry in ClinVar:

NM_001130009.3(GEN1):c.1555C>T (p.Gln519Ter)

Gene: GEN1 (GEN1 structure-specific endonuclease; plus strand). Cytogenetic location: 2p24.2.
Variant type: single nucleotide variant.
Coding change: c.1555C>T on transcript NM_001130009.3 (MANE Select); coding-DNA position 1555, C replaced by T.
Protein change: p.Gln519Ter; replaces glutamine 519 with a stop codon.
Molecular consequence: nonsense.
Genome position (GRCh38, 1-based): chr2:17,780,767, C>T. VCF-style: chr2-17780767-C-T. GRCh37 (hg19) VCF-style: chr2-17962034-C-T.
Other names: c.1555C>T, p.Gln519Ter (NM_182625.5); short protein forms Q519*.
Identifiers: ClinVar variation 4706545 (VCV004706545.1).

ClinVar aggregate classification (germline): Uncertain significance (1 of 4 stars; one submission).

gnomAD v4.1: 1 of 1,613,992 alleles (0.000062%); highest among the groups gnomAD compares: Non-Finnish European, 0.000085%; no homozygotes.

Submission:

Labcorp Genetics (formerly Invitae), Labcorp
Classification: Uncertain significance. Last evaluated: 2025-06-03. Review status: criteria provided, single submitter. Criteria: Invitae Variant Classification Sherloc (09022015). Collection method: clinical testing. Allele origin: germline.
Comment: This sequence change creates a premature translational stop signal (p.Gln519*) in the GEN1 gene. While this is not anticipated to result in nonsense mediated decay, it is expected to disrupt the last 390 amino acid(s) of the GEN1 protein. This variant is present in population databases (no rsID available, gnomAD 0.01%). This variant has not been reported in the literature in individuals affected with GEN1-related conditions. Experimental studies and prediction algorithms are not available or were not evaluated, and the functional significance of this variant is currently unknown. In summary, the available evidence is currently insufficient to determine the role of this variant in disease. Therefore, it has been classified as a Variant of Uncertain Significance.